The following is an entry in ClinVar:

ClinVar aggregate classification (germline): Pathogenic (1 of 4 stars; one submission).

Submission:

Labcorp Genetics (formerly Invitae), Labcorp
Classification: Pathogenic. Last evaluated: 2024-02-19. Review status: criteria provided, single submitter. Criteria: Invitae Variant Classification Sherloc (09022015). Collection method: clinical testing. Allele origin: germline.
Comment: This sequence change creates a premature translational stop signal (p.Pro1019Hisfs*85) in the COL27A1 gene. It is expected to result in an absent or disrupted protein product. Loss-of-function variants in COL27A1 are known to be pathogenic (PMID: 24986830, 28276056). This variant is not present in population databases (gnomAD no frequency). This variant has not been reported in the literature in individuals affected with COL27A1-related conditions. For these reasons, this variant has been classified as Pathogenic.

Literature cited by the submitters: PubMed 24986830; PubMed 28276056.

NM_032888.4(COL27A1):c.3055_3056insA (p.Pro1019fs)

Gene: COL27A1 (collagen type XXVII alpha 1 chain; plus strand). Cytogenetic location: 9q32.
Variant type: Insertion.
Coding change: c.3055_3056insA on transcript NM_032888.4 (MANE Select); coding-DNA positions 3055 to 3056, A inserted.
Protein change: p.Pro1019fs; shifts the reading frame from proline 1019.
Molecular consequence: frameshift variant.
Genome position: GRCh38 VCF-style: chr9-114252614-C-CA. GRCh37 (hg19) VCF-style: chr9-117014894-C-CA.
Other names: short protein forms P1019fs.
Identifiers: ClinVar variation 3642124 (VCV003642124.2).